The following is an entry in ClinVar:

NM_002473.6(MYH9):c.3428C>T (p.Ala1143Val)

Gene: MYH9 (myosin heavy chain 9; minus strand). Cytogenetic location: 22q12.3.
Variant type: single nucleotide variant.
Coding change: c.3428C>T on transcript NM_002473.6 (MANE Select); coding-DNA position 3428, C replaced by T.
Protein change: p.Ala1143Val; replaces alanine 1143 with valine.
Molecular consequence: missense variant.
Genome position (GRCh38, 1-based): chr22:36,295,562, G>A on the plus strand (C>T on the coding strand, the complement: MYH9 is on the minus strand). VCF-style: chr22-36295562-G-A. GRCh37 (hg19) VCF-style: chr22-36691608-G-A.
Other names: short protein forms A1143V.
Identifiers: ClinVar variation 1684319 (VCV001684319.1), dbSNP rs1004670927, ClinGen allele CA323594001.
Genomic context (GRCh38, chr22:36,295,562, plus strand): 5'-CACCTGAGCTCCTGCTGGGCAGCTGTGGAATCCAGCGTGTCCTCCAACTCTGTTTTCAGA[G>A]CCTCTAGCTCTTCCCCAAGGTCCCGTTTCTGCTTCTCAGCTTTATTCCTGGAAGCACGCT-3'
Protein context (NP_002464.1, residues 1133-1153): QKRDLGEELE[Ala1143Val]LKTELEDTLD

ClinVar aggregate classification (germline): Uncertain significance (0 of 4 stars; one submission).

Conditions:
Macrothrombocytopenia and granulocyte inclusions with or without nephritis or sensorineural hearing loss (MATINS). Also called: MYH9-Related Disease (MYH9-RD); MACROTHROMBOCYTOPENIA WITH LEUKOCYTE INCLUSIONS; BLEEDING DISORDER, PLATELET-TYPE, 6; SEBASTIAN PLATELET SYNDROME; MACROTHROMBOCYTOPENIA WITH DISPERSED LEUKOCYTIC INCLUSIONS; MACROTHROMBOCYTOPENIA, NEPHRITIS, AND DEAFNESS. Identifiers: Orphanet 182050, MedGen C5200934, MONDO:0015912, OMIM 155100.

Allele frequency attached by ClinVar (database versions not stated): gnomAD exomes below 0.00001; TOPMed 0.00002.
gnomAD v4.1: 4 of 1,613,780 alleles (0.00025%); highest among the groups gnomAD compares: East Asian, 0.0022%; no homozygotes.

Submission:

ISTH-SSC Genomics in Thrombosis and Hemostasis, KU Leuven, Center for Molecular and Vascular Biology
Classification: Uncertain significance for Macrothrombocytopenia and granulocyte inclusions with or without nephritis or sensorineural hearing loss. Review status: no assertion criteria provided. Collection method: clinical testing. Allele origin: germline. Affected: yes.
Comment: Submitted to GoldVariant by Juliana Perez Botero from Versiti Diagnostic Laboratories, USA